The following is an entry in ClinVar:

NM_194248.3(OTOF):c.1112G>A (p.Gly371Asp)

Gene: OTOF (otoferlin; minus strand). Cytogenetic location: 2p23.3.
Variant type: single nucleotide variant.
Coding change: c.1112G>A on transcript NM_194248.3 (MANE Select); coding-DNA position 1112, G replaced by A.
Protein change: p.Gly371Asp; replaces glycine 371 with aspartic acid.
Molecular consequence: missense variant.
Genome position (GRCh38, 1-based): chr2:26,484,567, C>T on the plus strand (G>A on the coding strand, the complement: OTOF is on the minus strand). VCF-style: chr2-26484567-C-T. GRCh37 (hg19) VCF-style: chr2-26707435-C-T.
Other names: c.1112G>A, p.Gly371Asp (NM_001287489.2); short protein forms G371D.
Identifiers: ClinVar variation 4879927 (VCV004879927.1).
Genomic context (GRCh38, chr2:26,484,567, plus strand): 5'-TTGTGGGGCGTCTTGATGTTGTCCCCTTTGCCCACCACGGCAACGTCACACTTCACGTAG[C>T]CCTTCAGCCCCGAGGAGATGTCATCGGGGTCAGACAGGATGGCCCACTTGTGATGGAACT-3'
Protein context (NP_919224.1, residues 361-381): DPDDISSGLK[Gly371Asp]YVKCDVAVVG

ClinVar aggregate classification (germline): Likely pathogenic (0 of 4 stars; one submission).

Conditions:
Autosomal recessive nonsyndromic hearing loss 9. Also called: NEUROSENSORY NONSYNDROMIC RECESSIVE DEAFNESS 9; OTOF-Related Hearing Loss; Deafness, autosomal recessive 9; AUDITORY NEUROPATHY, AUTOSOMAL RECESSIVE, 1, TEMPERATURE-SENSITIVE. Identifiers: Orphanet 90636, MedGen C1832828, MONDO:0010986, OMIM 601071.

Submission:

Diagnosis and Treatment Center of Genetic Hearing Loss, Eye & ENT Hospital of Fudan University
Classification: Likely pathogenic for Autosomal recessive nonsyndromic hearing loss 9. Last evaluated: 2026-02-04. Review status: no assertion criteria provided. Collection method: clinical testing. Allele origin: germline. Inheritance: Autosomal recessive inheritance. Affected: yes.
Comment: The c.1112G>A missense variant in OTOF is absent from population databases (PM2_Supporting). It was found with a second pathogenic c.5816G>A with uncertain phasing (PM3_Supporting). A different pathogenic variant at the same codon, c.1111G>C (p.Gly371Arg), has been reported (PM5). The REVEL score is 0.987 (PP3_Strong).